The following is an entry in ClinVar:

ClinVar aggregate classification (germline): Uncertain significance (1 of 4 stars; one submission).

Conditions:
Atrioventricular septal defect 5 (AVSD5). Identifiers: MedGen C3280939, MONDO:0013769, OMIM 614474.

Submission:

Labcorp Genetics (formerly Invitae), Labcorp
Classification: Uncertain significance for Atrioventricular septal defect 5. Last evaluated: 2019-03-05. Review status: criteria provided, single submitter. Criteria: Invitae Variant Classification Sherloc (09022015). Collection method: clinical testing. Allele origin: germline.
Comment: The frequency data for this variant in the population databases is considered unreliable, as metrics indicate insufficient coverage at this position in the ExAC database. This sequence change replaces arginine with cysteine at codon 433 of the GATA6 protein (p.Arg433Cys). The arginine residue is highly conserved and there is a large physicochemical difference between arginine and cysteine. In summary, the available evidence is currently insufficient to determine the role of this variant in disease. Therefore, it has been classified as a Variant of Uncertain Significance. Algorithms developed to predict the effect of sequence changes on RNA splicing suggest that this variant may create or strengthen a splice site, but this prediction has not been confirmed by published transcriptional studies. Algorithms developed to predict the effect of missense changes on protein structure and function (SIFT, PolyPhen-2, Align-GVGD) all suggest that this variant is likely to be tolerated, but these predictions have not been confirmed by published functional studies and their clinical significance is uncertain. This variant has not been reported in the literature in individuals with GATA6-related conditions.

NM_005257.6(GATA6):c.1297C>T (p.Arg433Cys)

Gene: GATA6 (GATA binding protein 6; plus strand). Cytogenetic location: 18q11.2.
Variant type: single nucleotide variant.
Coding change: c.1297C>T on transcript NM_005257.6 (MANE Select); coding-DNA position 1297, C replaced by T.
Protein change: p.Arg433Cys; replaces arginine 433 with cysteine.
Molecular consequence: missense variant.
Genome position (GRCh38, 1-based): chr18:22,177,116, C>T. VCF-style: chr18-22177116-C-T. GRCh37 (hg19) VCF-style: chr18-19757077-C-T.
Other names: short protein forms R433C.
Identifiers: ClinVar variation 854778 (VCV000854778.9), dbSNP rs2033131746, ClinGen allele CA401802248.